The following is an entry in ClinVar:

NM_172364.5(CACNA2D4):c.3147CCT[5] (p.Leu1053dup)

Gene: CACNA2D4 (calcium voltage-gated channel auxiliary subunit alpha2delta 4; minus strand). Cytogenetic location: 12p13.33.
Variant type: Microsatellite.
Coding change: c.3147CCT[5] on transcript NM_172364.5 (MANE Select); five copies in a row of the 3-base unit CCT starting at c.3147; the reference has four copies in a row; one copy, 3 bases duplicated.
Protein change: p.Leu1053dup; duplicates leucine 1053.
Molecular consequence: inframe insertion.
Genome position (GRCh38, 1-based): chr12:1,795,736-1,795,738, AGG duplicated on the plus strand (CCT on the coding strand, the reverse complement: CACNA2D4 is on the minus strand); duplicating any 3 consecutive bases within chr12:1,795,736-1,795,747 gives the same sequence; the position shown is the placement nearest the transcript's 3' end. VCF-style (leftmost placement, unchanged base first): chr12-1795735-C-CAGG. GRCh37 (hg19) VCF-style: chr12-1904901-C-CAGG.
Other names: c.3156_3158dupCCT (NM_172364.4).
Identifiers: ClinVar variation 1161364 (VCV001161364.12), dbSNP rs528359746, ClinGen allele CA6386042.

ClinVar aggregate classification (germline): Likely benign. Review status: criteria provided, multiple submitters, no conflicts (2 of 4 stars). 3 submissions from 3 submitters: Likely benign (2). 1 of the submissions does not count toward it. Last evaluated 2026-01-14.

Conditions:
CACNA2D4-related disorder. Also called: CACNA2D4-related condition.

Submissions (3):

Labcorp Genetics (formerly Invitae), Labcorp
Classification: Likely benign. Last evaluated: 2026-01-14. Review status: criteria provided, single submitter. Criteria: Invitae Variant Classification Sherloc (09022015). Collection method: clinical testing. Allele origin: germline.

Blueprint Genetics
Classification: Likely benign. Last evaluated: 2024-06-05. Review status: criteria provided, single submitter. Criteria: ACMG Guidelines, 2015. Collection method: clinical testing. Allele origin: germline.

PreventionGenetics, part of Exact Sciences
Classification: Likely benign for CACNA2D4-related condition. Last evaluated: 2024-01-20. Review status: no assertion criteria provided. Collection method: clinical testing. Allele origin: germline. Not counted in ClinVar's aggregate classification.
Comment: This variant is classified as likely benign based on ACMG/AMP sequence variant interpretation guidelines (Richards et al. 2015 PMID: 25741868, with internal and published modifications).